The following is an entry in ClinVar:

NM_001128178.3(NPHP1):c.835_837delinsCCC (p.Thr279Pro)

Gene: NPHP1 (nephrocystin 1; minus strand). Cytogenetic location: 2q13.
Variant type: Indel.
Coding change: c.835_837delinsCCC on transcript NM_001128178.3 (MANE Select); coding-DNA positions 835 to 837, ACG replaced by CCC.
Protein change: p.Thr279Pro; replaces threonine 279 with proline.
Molecular consequence: missense variant.
Genome position (GRCh38, 1-based): chr2:110,163,070-110,163,072, CGT replaced by GGG on the plus strand (ACG replaced by CCC on the coding strand, the reverse complement: NPHP1 is on the minus strand). VCF-style: chr2-110163070-CGT-GGG. GRCh37 (hg19) VCF-style: chr2-110920647-CGT-GGG.
Other names: c.1003_1005delinsCCC, p.Thr335Pro (NM_000272.5); c.646_648delinsCCC, p.Thr216Pro (NM_001128179.3); c.832_834delinsCCC, p.Thr278Pro (NM_001374256.1); c.835_837delinsCCC, p.Thr279Pro (NM_001374257.1); c.1000_1002delinsCCC, p.Thr334Pro (NM_207181.4); short protein forms T216P, T335P, T278P, T334P, T279P.
Identifiers: ClinVar variation 4992293 (VCV004992293.1).

ClinVar aggregate classification (germline): Uncertain significance (1 of 4 stars; one submission).

Conditions:
NPHP1-related disorder. Also called: NPHP1-related condition; NPHP1-related disorders.

Submission:

PreventionGenetics, part of Exact Sciences
Classification: Uncertain significance for NPHP1-related condition. Last evaluated: 2026-09-18. Review status: criteria provided, single submitter. Criteria: ACMG Guidelines, 2015. Collection method: clinical testing. Allele origin: germline.
Comment: The NPHP1 c.1003_1005delinsCCC variant is predicted to result in an in-frame deletion and insertion. To our knowledge, this variant has not been reported in the literature or in a large population database (gnomAD), indicating this variant is rare. At this time, the clinical significance of this variant is uncertain due to the absence of conclusive functional and genetic evidence.